The following is an entry in ClinVar:

NM_000548.5(TSC2):c.4001G>A (p.Ser1334Asn)

Gene: TSC2 (TSC complex subunit 2; plus strand). Cytogenetic location: 16p13.3.
Variant type: single nucleotide variant.
Coding change: c.4001G>A on transcript NM_000548.5 (MANE Select); coding-DNA position 4001, G replaced by A.
Protein change: p.Ser1334Asn; replaces serine 1334 with asparagine.
Molecular consequence: missense variant.
Genome position (GRCh38, 1-based): chr16:2,083,812, G>A. VCF-style: chr16-2083812-G-A. GRCh37 (hg19) VCF-style: chr16-2133813-G-A.
Other names: c.3800G>A, p.Ser1267Asn (NM_001077183.3); c.3932G>A, p.Ser1311Asn (NM_001114382.3); c.3692G>A, p.Ser1231Asn (NM_001318827.2); c.3656G>A, p.Ser1219Asn (NM_001318829.2); c.3269G>A, p.Ser1090Asn (NM_001318831.2); c.3833G>A, p.Ser1278Asn (NM_001318832.2); c.3803G>A, p.Ser1268Asn (NM_001363528.2); c.3869G>A, p.Ser1290Asn (NM_001370404.1); and 1 more; short protein forms S1334N, S1231N, S1278N, S1290N, S1090N, S1311N, S1267N, S1268N.
Identifiers: ClinVar variation 406097 (VCV000406097.16), dbSNP rs1060500964, ClinGen allele CA16615016.

ClinVar aggregate classification (germline): Conflicting classifications of pathogenicity. Review status: criteria provided, conflicting classifications (1 of 4 stars). 3 submissions from 3 submitters: Uncertain significance (2); Likely benign (1). Last evaluated 2025-11-04.

Conditions:
Isolated focal cortical dysplasia type II (FCORD2). Also called: CORTICAL DYSPLASIA OF TAYLOR; Focal cortical dysplasia type II. Identifiers: Orphanet 268994, MedGen C1846385, MONDO:0011818, OMIM 607341, HP:0032051.
Lymphangiomyomatosis (LAM). Also called: Lymphangioleiomyomatosis, somatic; Lymphangioleiomyomatosis. Identifiers: Orphanet 538, MedGen C0751674, MONDO:0011705, OMIM 606690.
Tuberous sclerosis 2 (TSC2). Identifiers: Orphanet 805, MedGen C1860707, MONDO:0013199, OMIM 613254.
Hereditary cancer-predisposing syndrome. Also called: Tumor predisposition; Neoplastic Syndromes, Hereditary; Hereditary Cancer Syndrome; Hereditary neoplastic syndrome. Identifiers: Orphanet 140162, MedGen C0027672, MeSH D009386, MONDO:0015356.

Allele frequency attached by ClinVar (database versions not stated): gnomAD exomes below 0.00001; gnomAD 0.00001; TOPMed 0.00001.
gnomAD v4.1: 4 of 1,610,852 alleles (0.00025%); highest among the groups gnomAD compares: Non-Finnish European, 0.00034%; no homozygotes.

Submissions (3):

Ambry Genetics
Classification: Uncertain significance for Hereditary cancer-predisposing syndrome. Last evaluated: 2025-11-04. Review status: criteria provided, single submitter. Criteria: Ambry Variant Classification Scheme 2023. Collection method: clinical testing. Allele origin: germline.
Comment: The p.S1334N variant (also known as c.4001G>A), located in coding exon 32 of the TSC2 gene, results from a G to A substitution at nucleotide position 4001. The serine at codon 1334 is replaced by asparagine, an amino acid with highly similar properties. This amino acid position is highly conserved in available vertebrate species. In addition, the in silico prediction for this alteration is inconclusive. Since supporting evidence is limited at this time, the clinical significance of this alteration remains unclear.

Labcorp Genetics (formerly Invitae), Labcorp
Classification: Likely benign for Tuberous sclerosis 2. Last evaluated: 2025-05-13. Review status: criteria provided, single submitter. Criteria: Invitae Variant Classification Sherloc (09022015). Collection method: clinical testing. Allele origin: germline.

Fulgent Genetics
Classification: Uncertain significance for Lymphangiomyomatosis; Isolated focal cortical dysplasia type II; Tuberous sclerosis 2. Last evaluated: 2024-06-15. Review status: criteria provided, single submitter. Criteria: ACMG Guidelines, 2015. Collection method: clinical testing. Allele origin: germline.